The following is an entry in ClinVar:

NM_012073.5(CCT5):c.1549A>G (p.Ile517Val)

Gene: CCT5 (chaperonin containing TCP1 subunit 5; plus strand). Cytogenetic location: 5p15.2.
Variant type: single nucleotide variant.
Coding change: c.1549A>G on transcript NM_012073.5 (MANE Select); coding-DNA position 1549, A replaced by G.
Protein change: p.Ile517Val; replaces isoleucine 517 with valine.
Molecular consequence: missense variant.
Genome position (GRCh38, 1-based): chr5:10,264,706, A>G. VCF-style: chr5-10264706-A-G. GRCh37 (hg19) VCF-style: chr5-10264818-A-G.
Other names: c.1486A>G, p.Ile496Val (NM_001306153.1); c.1384A>G, p.Ile462Val (NM_001306154.2); c.1270A>G, p.Ile424Val (NM_001306155.2); c.1435A>G, p.Ile479Val (NM_001306156.2); short protein forms I496V, I424V, I517V, I462V, I479V.
Identifiers: ClinVar variation 1375154 (VCV001375154.8), dbSNP rs752461300, ClinGen allele CA113886634.

ClinVar aggregate classification (germline): Uncertain significance (1 of 4 stars; one submission).

Conditions:
Hereditary sensory and autonomic neuropathy with spastic paraplegia (HSNSP). Identifiers: Orphanet 139578, MedGen C1850395, MONDO:0009748, OMIM 256840.

Allele frequency attached by ClinVar (database versions not stated): gnomAD 0.00001.
gnomAD v4.1: 6 of 1,613,934 alleles (0.00037%); highest among the groups gnomAD compares: East Asian, 0.011%; no homozygotes.

Submission:

Labcorp Genetics (formerly Invitae), Labcorp
Classification: Uncertain significance for Hereditary sensory and autonomic neuropathy with spastic paraplegia. Last evaluated: 2020-12-14. Review status: criteria provided, single submitter. Criteria: Invitae Variant Classification Sherloc (09022015). Collection method: clinical testing. Allele origin: germline.
Comment: In summary, the available evidence is currently insufficient to determine the role of this variant in disease. Therefore, it has been classified as a Variant of Uncertain Significance. Algorithms developed to predict the effect of sequence changes on RNA splicing suggest that this variant may create or strengthen a splice site, but this prediction has not been confirmed by published transcriptional studies. Algorithms developed to predict the effect of missense changes on protein structure and function are either unavailable or do not agree on the potential impact of this missense change (SIFT: "Deleterious"; PolyPhen-2: "Benign"; Align-GVGD: "Class C25"). This variant has not been reported in the literature in individuals with CCT5-related conditions. This variant is not present in population databases (ExAC no frequency). This sequence change replaces isoleucine with valine at codon 517 of the CCT5 protein (p.Ile517Val). The isoleucine residue is highly conserved and there is a small physicochemical difference between isoleucine and valine.